The following is an entry in ClinVar:

ClinVar aggregate classification (germline): Uncertain significance. Review status: criteria provided, multiple submitters, no conflicts (2 of 4 stars). 3 submissions from 3 submitters: Uncertain significance (2). 1 of the submissions does not count toward it. Last evaluated 2026-08-03.

Conditions:
Idiopathic generalized epilepsy. Also called: Generalised epilepsy; EIG. Identifiers: MedGen C0270850, MONDO:0005579, OMIM 600669.
Epilepsy, idiopathic generalized, susceptibility to, 13. Also called: EPILEPSY, JUVENILE MYOCLONIC, SUSCEPTIBILITY TO, 5. Identifiers: Orphanet 307, Orphanet 64280, MedGen C4013473, MONDO:0012627, OMIM 611136.
Epilepsy, childhood absence 4 (ECA4). Also called: EPILEPSY, CHILDHOOD ABSENCE, SUSCEPTIBILITY TO, 4. Identifiers: Orphanet 307, MedGen C1970160.
Sensorineural hearing loss disorder. Also called: Sensorineural Deafness; Sensorineural hearing impairment; Sensorineural hearing loss. Identifiers: MedGen C0018784, MeSH D006319, MONDO:0020678, HP:0000407.
Intellectual disability. Also called: Intellectual functioning disability; intellectual disabilities; Intellectual developmental disorder. Identifiers: MedGen C3714756, MeSH D008607, MONDO:0001071, HP:0001249.
Seizure. Also called: Seizures. Identifiers: MedGen C0036572, HP:0001250.

Submissions (3):

GeneDx
Classification: Uncertain significance. Last evaluated: 2026-08-03. Review status: criteria provided, single submitter. Criteria: GeneDx Variant Classification Process June 2021. Collection method: clinical testing. Allele origin: germline.
Comment: Not observed at significant frequency in large population cohorts (gnomAD); In silico analysis supports that this missense variant has a deleterious effect on protein structure/function; Has not been previously published as pathogenic or benign to our knowledge; This variant is associated with the following publications: (PMID: 38014242)

Labcorp Genetics (formerly Invitae), Labcorp
Classification: Uncertain significance for Epilepsy, childhood absence 4; Epilepsy, idiopathic generalized, susceptibility to, 13; Idiopathic generalized epilepsy. Last evaluated: 2025-11-24. Review status: criteria provided, single submitter. Criteria: Invitae Variant Classification Sherloc (09022015). Collection method: clinical testing. Allele origin: germline.
Comment: This sequence change replaces glycine, which is neutral and non-polar, with arginine, which is basic and polar, at codon 78 of the GABRA1 protein (p.Gly78Arg). This variant is not present in population databases (gnomAD no frequency). This variant has not been reported in the literature in individuals affected with GABRA1-related conditions. ClinVar contains an entry for this variant (Variation ID: 625850). Invitae Evidence Modeling of protein sequence and biophysical properties (such as structural, functional, and spatial information, amino acid conservation, physicochemical variation, residue mobility, and thermodynamic stability) indicates that this missense variant is expected to disrupt GABRA1 protein function with a positive predictive value of 80%. In summary, the available evidence is currently insufficient to determine the role of this variant in disease. Therefore, it has been classified as a Variant of Uncertain Significance.

Institute of Human Genetics, University of Goettingen
Classification: Uncertain significance for Intellectual disability; Sensorineural hearing loss disorder; Seizure. Last evaluated: 2019-01-09. Review status: no assertion criteria provided. Collection method: clinical testing. Allele origin: inherited. Inheritance: Autosomal recessive inheritance. Affected: yes. Observed: 2 homozygotes. Not counted in ClinVar's aggregate classification.
Comment: The variant has not been previously described in association with disease, but segregates with the disorder in this family.

NM_001127644.2(GABRA1):c.232G>A (p.Gly78Arg)

Gene: GABRA1 (gamma-aminobutyric acid type A receptor subunit alpha1; plus strand). Cytogenetic location: 5q34.
Variant type: single nucleotide variant.
Coding change: c.232G>A on transcript NM_001127644.2 (MANE Select); coding-DNA position 232, G replaced by A.
Protein change: p.Gly78Arg; replaces glycine 78 with arginine.
Molecular consequence: missense variant.
Genome position (GRCh38, 1-based): chr5:161,865,765, G>A. VCF-style: chr5-161865765-G-A. GRCh37 (hg19) VCF-style: chr5-161292771-G-A.
Other names: c.232G>A, p.Gly78Arg (NM_000806.5, NM_001127643.2, NM_001127645.2 and 1 more transcripts); short protein forms G78R.
Identifiers: ClinVar variation 625850 (VCV000625850.14), dbSNP rs1561571575, ClinGen allele CA362178587.